The following is an entry in ClinVar:

NM_001103.4(ACTN2):c.2089G>A (p.Gly697Arg)

Gene: ACTN2 (actinin alpha 2; plus strand). Cytogenetic location: 1q43.
Variant type: single nucleotide variant.
Coding change: c.2089G>A on transcript NM_001103.4 (MANE Select); coding-DNA position 2089, G replaced by A.
Protein change: p.Gly697Arg; replaces glycine 697 with arginine.
Molecular consequence: missense variant. On other transcripts: non-coding transcript variant (1).
Genome position (GRCh38, 1-based): chr1:236,755,133, G>A. VCF-style: chr1-236755133-G-A. GRCh37 (hg19) VCF-style: chr1-236918433-G-A.
Other names: c.2089G>A, p.Gly697Arg (NM_001278343.2); short protein forms G697R.
Identifiers: ClinVar variation 3361002 (VCV003361002.1).

ClinVar aggregate classification (germline): Uncertain significance (1 of 4 stars; one submission).

Submission:

GeneDx
Classification: Uncertain significance. Last evaluated: 2023-07-11. Review status: criteria provided, single submitter. Criteria: GeneDx Variant Classification Process June 2021. Collection method: clinical testing. Allele origin: germline. Affected: yes.
Comment: Not observed at significant frequency in large population cohorts (gnomAD); In silico analysis supports that this missense variant does not alter protein structure/function; Has not been previously published as pathogenic or benign to our knowledge